The following is an entry in ClinVar:

NM_003239.5(TGFB3):c.557T>G (p.Ile186Ser)

Gene: TGFB3 (transforming growth factor beta 3; minus strand). Cytogenetic location: 14q24.3.
Variant type: single nucleotide variant.
Coding change: c.557T>G on transcript NM_003239.5 (MANE Select); coding-DNA position 557, T replaced by G.
Protein change: p.Ile186Ser; replaces isoleucine 186 with serine.
Molecular consequence: missense variant.
Genome position (GRCh38, 1-based): chr14:75,971,215, A>C on the plus strand (T>G on the coding strand, the complement: TGFB3 is on the minus strand). VCF-style: chr14-75971215-A-C. GRCh37 (hg19) VCF-style: chr14-76437558-A-C.
Other names: c.557T>G (NM_003239.4); c.557T>G, p.Ile186Ser (NM_001329938.2, NM_001329939.2); short protein forms I186S.
Identifiers: ClinVar variation 410272 (VCV000410272.57), dbSNP rs763289805, ClinGen allele CA7280405.

ClinVar aggregate classification (germline): Conflicting classifications of pathogenicity. Review status: criteria provided, conflicting classifications (1 of 4 stars). 5 submissions from 5 submitters: Likely pathogenic (1); Uncertain significance (3). 1 of the submissions does not count toward it. Last evaluated 2026-01-27.

Conditions:
TGFB3-related disorder. Also called: TGFB3-related condition.
Rienhoff syndrome. Also called: LOEYS-DIETZ SYNDROME 5. Identifiers: MedGen C3810012, MONDO:0014262, OMIM 615582.
Familial thoracic aortic aneurysm and aortic dissection (TAAD). Also called: Thoracic aortic aneurysms and dissections. Identifiers: Orphanet 91387, MedGen C4707243, MONDO:0019625.

Allele frequency attached by ClinVar (database versions not stated): gnomAD exomes below 0.00001; ExAC 0.00001; TOPMed 0.00001.

Submissions (5):

Labcorp Genetics (formerly Invitae), Labcorp
Classification: Likely pathogenic for Rienhoff syndrome. Last evaluated: 2026-01-27. Review status: criteria provided, single submitter. Criteria: Invitae Variant Classification Sherloc (09022015). Collection method: clinical testing. Allele origin: germline.
Comment: This sequence change replaces isoleucine, which is neutral and non-polar, with serine, which is neutral and polar, at codon 186 of the TGFB3 protein (p.Ile186Ser). This variant is present in population databases (rs763289805, gnomAD 0.0009%). This missense change has been observed in individuals with clinical features of TGFB3-related conditions (PMID: 35918752, 39653386; internal data). ClinVar contains an entry for this variant (Variation ID: 410272). Invitae Evidence Modeling of protein sequence and biophysical properties (such as structural, functional, and spatial information, amino acid conservation, physicochemical variation, residue mobility, and thermodynamic stability) indicates that this missense variant is not expected to disrupt TGFB3 protein function with a negative predictive value of 80%. In summary, the currently available evidence indicates that the variant is pathogenic, but additional data are needed to prove that conclusively. Therefore, this variant has been classified as Likely Pathogenic.

GeneDx
Classification: Uncertain significance. Last evaluated: 2024-09-18. Review status: criteria provided, single submitter. Criteria: GeneDx Variant Classification Process June 2021. Collection method: clinical testing. Allele origin: germline. Affected: yes.
Comment: Has been reported in a patient with a hereditary connective tissue disorder (PMID: 35918752); Not observed at significant frequency in large population cohorts (gnomAD); In silico analysis supports that this missense variant has a deleterious effect on protein structure/function; This variant is associated with the following publications: (PMID: 35903967, 35918752)

Ambry Genetics
Classification: Uncertain significance for Familial thoracic aortic aneurysm and aortic dissection. Last evaluated: 2024-06-10. Review status: criteria provided, single submitter. Criteria: Ambry Variant Classification Scheme 2023. Collection method: clinical testing. Allele origin: germline.
Comment: The p.I186S variant (also known as c.557T>G), located in coding exon 3 of the TGFB3 gene, results from a T to G substitution at nucleotide position 557. The isoleucine at codon 186 is replaced by serine, an amino acid with dissimilar properties. This variant has been reported in connective tissue disorder cohorts (Veatch OJ et al. BMC Med Genomics, 2022 Aug;15:169; Steinle J et al. Am J Med Genet A, 2022 Oct;188:3016-3023). This amino acid position is not well conserved in available vertebrate species. In addition, the in silico prediction for this alteration is inconclusive. Based on the available evidence, the clinical significance of this variant remains unclear.

Blueprint Genetics
Classification: Uncertain significance. Last evaluated: 2019-11-26. Review status: criteria provided, single submitter. Criteria: ACMG Guidelines, 2015. Collection method: clinical testing. Allele origin: germline.

PreventionGenetics, part of Exact Sciences
Classification: Uncertain significance for TGFB3-related condition. Last evaluated: 2024-07-03. Review status: no assertion criteria provided. Collection method: clinical testing. Allele origin: germline. Not counted in ClinVar's aggregate classification.
Comment: The TGFB3 c.557T>G variant is predicted to result in the amino acid substitution p.Ile186Ser. This variant was reported as a variant of uncertain significance in an individual with connective tissue disorder (Veatch et al 2022. PubMed ID: 35918752). This variant is reported in 0.00088% of alleles in individuals of European (Non-Finnish) descent in gnomAD. At this time, the clinical significance of this variant is uncertain due to the absence of conclusive functional and genetic evidence.

Literature cited by the submitters: PubMed 35918752 (cited by Labcorp Genetics (formerly Invitae), Labcorp and Ambry Genetics); PubMed 39653386 (cited by Labcorp Genetics (formerly Invitae), Labcorp); PubMed 35903967 (cited by Ambry Genetics).